The following is an entry in ClinVar:

ClinVar aggregate classification (germline): Uncertain significance (1 of 4 stars; one submission).

Conditions:
Galactosylceramide beta-galactosidase deficiency. Also called: Leukodystrophy, Globoid Cell; Krabbe Disease; GALACTOCEREBROSIDASE DEFICIENCY; GALC DEFICIENCY; GLOBOID CELL LEUKOENCEPHALOPATHY. Identifiers: Orphanet 487, MedGen C0023521, MONDO:0009499, OMIM 245200.

Allele frequency attached by ClinVar (database versions not stated): gnomAD 0.00001; TOPMed 0.00001.

Submission:

Labcorp Genetics (formerly Invitae), Labcorp
Classification: Uncertain significance for Galactosylceramide beta-galactosidase deficiency. Last evaluated: 2025-08-14. Review status: criteria provided, single submitter. Criteria: Invitae Variant Classification Sherloc (09022015). Collection method: clinical testing. Allele origin: germline.
Comment: This sequence change replaces glutamic acid, which is acidic and polar, with lysine, which is basic and polar, at codon 242 of the GALC protein (p.Glu242Lys). This variant is not present in population databases (gnomAD no frequency). This variant has not been reported in the literature in individuals affected with GALC-related conditions. ClinVar contains an entry for this variant (Variation ID: 2060748). An algorithm developed to predict the effect of missense changes on protein structure and function outputs the following: PolyPhen-2: "Benign". The lysine amino acid residue is found in multiple mammalian species, which suggests that this missense change does not adversely affect protein function. In summary, the available evidence is currently insufficient to determine the role of this variant in disease. Therefore, it has been classified as a Variant of Uncertain Significance.

NM_000153.4(GALC):c.724G>A (p.Glu242Lys)

Gene: GALC (galactosylceramidase; minus strand). Cytogenetic location: 14q31.3.
Variant type: single nucleotide variant.
Coding change: c.724G>A on transcript NM_000153.4 (MANE Select); coding-DNA position 724, G replaced by A.
Protein change: p.Glu242Lys; replaces glutamic acid 242 with lysine.
Molecular consequence: missense variant.
Genome position (GRCh38, 1-based): chr14:87,976,386, C>T on the plus strand (G>A on the coding strand, the complement: GALC is on the minus strand). VCF-style: chr14-87976386-C-T. GRCh37 (hg19) VCF-style: chr14-88442730-C-T.
Other names: c.655G>A, p.Glu219Lys (NM_001201401.2); c.646G>A, p.Glu216Lys (NM_001201402.2); short protein forms E219K, E216K, E242K.
Identifiers: ClinVar variation 2060748 (VCV002060748.2), dbSNP rs901252669, ClinGen allele CA264708280.